The following is an entry in ClinVar:

ClinVar aggregate classification (germline): Likely benign (0 of 4 stars; one submission).

Conditions:
DMP1-related disorder. Also called: DMP1-related condition.

Allele frequency attached by ClinVar (database versions not stated): ExAC 0.00001; TOPMed 0.00002; gnomAD exomes 0.00001.
gnomAD v4.1: 10 of 1,614,234 alleles (0.00062%); highest among the groups gnomAD compares: Admixed American, 0.0017%; no homozygotes.

Submission:

PreventionGenetics, part of Exact Sciences
Classification: Likely benign for DMP1-related condition. Last evaluated: 2020-11-02. Review status: no assertion criteria provided. Collection method: clinical testing. Allele origin: germline.
Comment: This variant is classified as likely benign based on ACMG/AMP sequence variant interpretation guidelines (Richards et al. 2015 PMID: 25741868, with internal and published modifications).

NM_004407.4(DMP1):c.705A>G (p.Ala235=)

Genes: DMP1 (dentin matrix acidic phosphoprotein 1; plus strand), DMP1-AS1 (DMP1 and DSPP antisense RNA 1; minus strand). Cytogenetic location: 4q22.1.
Variant type: single nucleotide variant.
Coding change: c.705A>G on transcript NM_004407.4 (MANE Select); coding-DNA position 705, A replaced by G.
Protein change: p.Ala235=; no amino-acid change (alanine 235 retained).
Molecular consequence: synonymous variant.
Genome position (GRCh38, 1-based): chr4:87,662,483, A>G. VCF-style: chr4-87662483-A-G. GRCh37 (hg19) VCF-style: chr4-88583635-A-G.
Other names: c.657A>G, p.Ala219= (NM_001079911.3).
Identifiers: ClinVar variation 3032115 (VCV003032115.2), dbSNP rs760761426, ClinGen allele CA3002078.
Genomic context (GRCh38, chr4:87,662,483, plus strand): 5'-GCAGAGTGATGACCCAGAGAGCATCAGGAGTGAAAGGGGAAACTCCAGAATGAACAGTGC[A>G]GGCATGAAATCAAAAGAATCTGGAGAAAACAGTGAGCAAGCAAACACTCAAGATTCAGGT-3'
Protein context (NP_004398.1, residues 225-245): SERGNSRMNS[Ala235=]GMKSKESGEN